The following is an entry in ClinVar:

ClinVar aggregate classification (germline): Uncertain significance. Review status: reviewed by expert panel (3 of 4 stars). 6 submissions from 6 submitters: Uncertain significance (1). 5 of the submissions do not count toward it. Last evaluated 2025-08-01.

Conditions:
Central core myopathy (CMYO1A). Also called: CONGENITAL MYOPATHY 1A, AUTOSOMAL DOMINANT, WITH SUSCEPTIBILITY TO MALIGNANT HYPERTHERMIA; Central core disease; Myopathy, central fibrillar. Identifiers: Orphanet 597, MedGen C5830701, MONDO:0007294, OMIM 117000.
Malignant hyperthermia, susceptibility to, 1 (MHS1). Also called: Malignant hyperthermia suceptibility 1; Anesthesia related hyperthermia; Malignant hyperpyrexia; Fulminating hyperpyrexia; Pharmacogenic myopathy; RYR1-Related Malignant Hyperthermia Susceptibility. Identifiers: Orphanet 423, MedGen C2930980, MONDO:0007783, OMIM 145600.
King Denborough syndrome (KDS). Identifiers: MedGen C1840365, MONDO:0020485, OMIM 619542.
Congenital multicore myopathy with external ophthalmoplegia (CMYO1B). Also called: MULTICORE MYOPATHY; MULTIMINICORE DISEASE WITH EXTERNAL OPHTHALMOPLEGIA; Congenital myopathy 1B, autosomal recessive; Minicore myopathy; Minicore myopathy with external ophthalmoplegia. Identifiers: Orphanet 598, Orphanet 98905, MedGen C1850674, MONDO:0009712, OMIM 255320, HP:0003789.
Congenital myopathy with fiber type disproportion. Also called: Congenital fiber-type disproportion; Congenital fiber-type disproportion myopathy. Identifiers: Orphanet 2020, MedGen C0546264, MONDO:0009711. Inheritance: all.
RYR1-related disorder. Also called: RYR1-related condition; RYR1-related disorders. Identifiers: MedGen CN239331.
Inborn genetic diseases. Identifiers: MedGen C0950123, MeSH D030342.

Allele frequency attached by ClinVar (database versions not stated): gnomAD exomes 0.00001.
gnomAD v4.1: 10 of 1,561,426 alleles (0.00064%); highest among the groups gnomAD compares: African/African-American, 0.0014%; no homozygotes.

Submissions (6):

ClinGen Malignant Hyperthermia Susceptibility Variant Curation Expert Panel, ClinGen
Classification: Uncertain significance for Malignant hyperthermia, susceptibility to, 1. Last evaluated: 2025-08-01. Review status: reviewed by expert panel. Criteria: ClinGen MHS ACMG Specifications V2. Collection method: curation. Allele origin: germline. Inheritance: Autosomal dominant inheritance.
Comment: This pathogenicity assessment is relevant only for malignant hyperthermia susceptibility (MHS) inherited in an autosomal dominant pattern. Variants in RYR1 can also cause other myopathies inherited in an autosomal dominant pattern or in an autosomal recessive pattern. Some of these disorders may predispose individuals to malignant hyperthermia. RYR1 variants may also contribute to a malignant hyperthermia reaction in combination with other genetic and non-genetic factors and the clinician needs to consider such factors in making management decisions. This sequence variant predicts a substitution of proline with leucine at codon 1592 of the RYR1 protein, p.Pro1592Leu. The maximum allele frequency for this variant among the six major gnomAD populations is NFE: 0.000015, a frequency consistent with pathogenicity for MHS. This variant has been reported in an individual with a personal or family history of an MH episode without a positive in vitro contracture test (IVCT) or caffeine halothane contracture test (CHCT) result (if the proband was unavailable for testing, a positive diagnostic test result in a mutation-positive relative was counted), however, a second variant of uncertain significance (p.Arg533His) was also identified in this individual. Both variants were homozygous, PS4 was not implemented (PMID:16732084). No functional studies were identified for this variant. This variant does not reside in a hotspot for pathogenic variants that contribute to MHS. A REVEL score >0.85 (0.927) supports a pathogenic status for this variant, PP3_Moderate. This variant has been classified as a Variant of Unknown Significance. Criteria implemented: PP3_Moderate.

Ambry Genetics
Classification: Uncertain significance for Inborn genetic diseases. Last evaluated: 2026-03-23. Review status: criteria provided, single submitter. Criteria: Ambry Variant Classification Scheme 2023. Collection method: clinical testing. Allele origin: germline. Not counted in ClinVar's aggregate classification.
Comment: The c.4775C>T (p.P1592L) alteration is located in exon 33 (coding exon 33) of the RYR1 gene. This alteration results from a C to T substitution at nucleotide position 4775, causing the proline (P) at amino acid position 1592 to be replaced by a leucine (L). Based on data from gnomAD, the T allele has an overall frequency of 0.001% (1/169432) total alleles studied. The highest observed frequency was 0.002% (1/68768) of European (non-Finnish) alleles. This amino acid position is highly conserved in available vertebrate species. This alteration is predicted to be deleterious by in silico analysis. Based on insufficient or conflicting evidence, the clinical significance of this alteration remains unclear.

Labcorp Genetics (formerly Invitae), Labcorp
Classification: Uncertain significance for RYR1-related disorder. Last evaluated: 2022-07-27. Review status: criteria provided, single submitter. Criteria: Invitae Variant Classification Sherloc (09022015). Collection method: clinical testing. Allele origin: germline. Not counted in ClinVar's aggregate classification.
Comment: This sequence change replaces proline, which is neutral and non-polar, with leucine, which is neutral and non-polar, at codon 1592 of the RYR1 protein (p.Pro1592Leu). The frequency data for this variant in the population databases is considered unreliable, as metrics indicate poor data quality at this position in the gnomAD database. This missense change has been observed in individual(s) with malignant hyperthermia (PMID: 16732084, 16917943; Invitae). ClinVar contains an entry for this variant (Variation ID: 133135). Advanced modeling of protein sequence and biophysical properties (such as structural, functional, and spatial information, amino acid conservation, physicochemical variation, residue mobility, and thermodynamic stability) performed at Invitae indicates that this missense variant is expected to disrupt RYR1 protein function. In summary, the available evidence is currently insufficient to determine the role of this variant in disease. Therefore, it has been classified as a Variant of Uncertain Significance.

CeGaT Center for Human Genetics Tuebingen
Classification: Uncertain significance. Last evaluated: 2021-11-01. Review status: criteria provided, single submitter. Criteria: CeGaT Center For Human Genetics Tuebingen Variant Classification Criteria Version 2. Collection method: clinical testing. Allele origin: germline. Affected: yes. Observed: 2 variant alleles. Not counted in ClinVar's aggregate classification.

Fulgent Genetics
Classification: Uncertain significance for Central core myopathy; Malignant hyperthermia, susceptibility to, 1; Congenital myopathy 4A, autosomal dominant; Congenital multicore myopathy with external ophthalmoplegia; King Denborough syndrome. Last evaluated: 2021-08-12. Review status: criteria provided, single submitter. Criteria: ACMG Guidelines, 2015. Collection method: clinical testing. Allele origin: unknown. Not counted in ClinVar's aggregate classification.

RYR1 database
No classification provided. Review status: no classification provided. Collection method: not provided. Allele origin: unknown. Not counted in ClinVar's aggregate classification.

Literature cited by the submitters: PubMed 16732084 (cited by Labcorp Genetics (formerly Invitae), Labcorp); PubMed 16917943 (cited by Labcorp Genetics (formerly Invitae), Labcorp).

NM_000540.3(RYR1):c.4775C>T (p.Pro1592Leu)

Gene: RYR1 (ryanodine receptor 1; plus strand). Cytogenetic location: 19q13.2.
Variant type: single nucleotide variant.
Coding change: c.4775C>T on transcript NM_000540.3 (MANE Select); coding-DNA position 4775, C replaced by T.
Protein change: p.Pro1592Leu; replaces proline 1592 with leucine.
Molecular consequence: missense variant.
Genome position (GRCh38, 1-based): chr19:38,483,357, C>T. VCF-style: chr19-38483357-C-T. GRCh37 (hg19) VCF-style: chr19-38973997-C-T.
Other names: c.4775C>T (NM_000540.2); c.4775C>T, p.Pro1592Leu (NM_001042723.2); short protein forms P1592L.
Identifiers: ClinVar variation 133135 (VCV000133135.50), dbSNP rs193922777, ClinGen allele CA024460.